The following is an entry in ClinVar:

ClinVar aggregate classification (germline): Likely pathogenic (1 of 4 stars; one submission).

Conditions:
Sweeney-Cox syndrome. Identifiers: MedGen C4540299, MONDO:0060592, OMIM 617746.

Submission:

OLLIN Analises Genomicas, OLLIN
Classification: Likely pathogenic for Sweeney-Cox syndrome. Last evaluated: 2026-08-06. Review status: criteria provided, single submitter. Criteria: ACMG Guidelines 2015 PMID 25741868. Collection method: clinical testing. Allele origin: germline.
Comment: This missense variant, located in exon 1 (of 2), is absent from gnomAD and ClinVar and has not been identified in the literature. In silico analysis predicts that this variant has a deleterious effect. This variant is located in a region considered to be a mutational hotspot. Another pathogenic variant affecting the same amino acid residue has been reported. According to the currently available evidence, this variant has been classified as likely pathogenic (PM1, PM2_P, PM5, PP3_M).

NM_000474.4(TWIST1):c.365A>C (p.Gln122Pro)

Gene: TWIST1 (twist family bHLH transcription factor 1; minus strand). Cytogenetic location: 7p21.1.
Variant type: single nucleotide variant.
Coding change: c.365A>C on transcript NM_000474.4 (MANE Select); coding-DNA position 365, A replaced by C.
Protein change: p.Gln122Pro; replaces glutamine 122 with proline.
Molecular consequence: missense variant. On other transcripts: non-coding transcript variant (1).
Genome position (GRCh38, 1-based): chr7:19,116,957, T>G on the plus strand (A>C on the coding strand, the complement: TWIST1 is on the minus strand). VCF-style: chr7-19116957-T-G. GRCh37 (hg19) VCF-style: chr7-19156580-T-G.
Other names: short protein forms Q122P.
Identifiers: ClinVar variation 5003009 (VCV005003009.1).